The following is an entry in ClinVar:

ClinVar aggregate classification (germline): Uncertain significance (1 of 4 stars; one submission).

Conditions:
Charcot-Marie-Tooth disease type 2. Also called: Charcot-Marie-Tooth type 2. Identifiers: Orphanet 64746, MedGen C0270914, MONDO:0018993.

Submission:

Labcorp Genetics (formerly Invitae), Labcorp
Classification: Uncertain significance for Charcot-Marie-Tooth disease type 2. Last evaluated: 2026-01-27. Review status: criteria provided, single submitter. Criteria: Invitae Variant Classification Sherloc (09022015). Collection method: clinical testing. Allele origin: germline.
Comment: This sequence change replaces aspartic acid, which is acidic and polar, with tyrosine, which is neutral and polar, at codon 93 of the LMNA protein (p.Asp93Tyr). This variant is not present in population databases (gnomAD no frequency). This variant has not been reported in the literature in individuals affected with LMNA-related conditions. Invitae Evidence Modeling of protein sequence and biophysical properties (such as structural, functional, and spatial information, amino acid conservation, physicochemical variation, residue mobility, and thermodynamic stability) indicates that this missense variant is expected to disrupt LMNA protein function with a positive predictive value of 95%. In summary, the available evidence is currently insufficient to determine the role of this variant in disease. Therefore, it has been classified as a Variant of Uncertain Significance.

NM_170707.4(LMNA):c.277G>T (p.Asp93Tyr)

Gene: LMNA (lamin A/C; plus strand). Cytogenetic location: 1q22.
Variant type: single nucleotide variant.
Coding change: c.277G>T on transcript NM_170707.4 (MANE Select); coding-DNA position 277, G replaced by T.
Protein change: p.Asp93Tyr; replaces aspartic acid 93 with tyrosine.
Molecular consequence: missense variant. On other transcripts: 5 prime UTR variant (8), intron variant (2).
Genome position (GRCh38, 1-based): chr1:156,115,195, G>T. VCF-style: chr1-156115195-G-T. GRCh37 (hg19) VCF-style: chr1-156084986-G-T.
Other names: c.277G>T, p.Asp93Tyr (NM_001282625.2, NM_001282626.2, NM_001406983.1 and 6 more transcripts); c.-147G>T (NM_001406986.1); c.-125G>T (NM_001406990.1, NM_001406995.1, NM_001407002.1); c.-388G>T (NM_001406994.1, NM_001407000.1); c.-568G>T (NM_001406999.1); c.-231G>T (NM_001407001.1); c.-203+8372G>T (NM_001406993.1, NM_001407003.1); short protein forms D93Y.
Identifiers: ClinVar variation 4799954 (VCV004799954.1).